The following is an entry in ClinVar:

NM_002850.4(PTPRS):c.4844T>C (p.Val1615Ala)

Gene: PTPRS (protein tyrosine phosphatase receptor type S; minus strand). Cytogenetic location: 19p13.3.
Variant type: single nucleotide variant.
Coding change: c.4844T>C on transcript NM_002850.4 (MANE Select); coding-DNA position 4844, T replaced by C.
Protein change: p.Val1615Ala; replaces valine 1615 with alanine.
Molecular consequence: missense variant.
Genome position (GRCh38, 1-based): chr19:5,212,176, A>G on the plus strand (T>C on the coding strand, the complement: PTPRS is on the minus strand). VCF-style: chr19-5212176-A-G. GRCh37 (hg19) VCF-style: chr19-5212187-A-G.
Other names: c.4778T>C, p.Val1593Ala (NM_001394011.1); c.4757T>C, p.Val1586Ala (NM_001394012.1); c.4718T>C, p.Val1573Ala (NM_001394013.1); c.3503T>C, p.Val1168Ala (NM_130853.3); c.4730T>C, p.Val1577Ala (NM_130854.3); c.3515T>C, p.Val1172Ala (NM_130855.3); short protein forms V1168A, V1172A, V1573A, V1577A, V1586A, V1593A, V1615A.
Identifiers: ClinVar variation 4886096 (VCV004886096.2).

ClinVar aggregate classification (germline): Uncertain significance (1 of 4 stars; one submission).

Submission:

Dasa
Classification: Uncertain significance. Last evaluated: 2026-01-29. Review status: criteria provided, single submitter. Criteria: DASA Assertion Criteria. Collection method: clinical testing. Allele origin: germline.
Comment: NM_002850.4(PTPRS):c.4844T>C (p.Val1615Ala) is a missense variant that results in the substitution of valine with alanine. This variant is rare in population databases. The currently available literature and clinical evidence are not sufficient to establish a definitive association between this variant and the reported condition. Therefore, this variant is classified as a variant of uncertain significance.